The following is an entry in ClinVar:

ClinVar aggregate classification (germline): Conflicting classifications of pathogenicity. Review status: criteria provided, conflicting classifications (1 of 4 stars). 2 submissions from 2 submitters: Pathogenic (1); Uncertain significance (1). Last evaluated 2025-06-01.

Allele frequency attached by ClinVar (database versions not stated): TOPMed below 0.00001; gnomAD 0.00001; gnomAD exomes 0.00001; 1000 Genomes Project 30x 0.00016; 1000 Genomes Project 0.00020.
gnomAD v4.1: 18 of 1,602,394 alleles (0.0011%); highest among the groups gnomAD compares: Non-Finnish European, 0.0015%; no homozygotes.

Submissions (2):

CeGaT Center for Human Genetics Tuebingen
Classification: Uncertain significance. Last evaluated: 2025-06-01. Review status: criteria provided, single submitter. Criteria: CeGaT Center For Human Genetics Tuebingen Variant Classification Criteria Version 2. Collection method: clinical testing. Allele origin: germline. Affected: yes. Observed: 1 variant allele.
Comment: OTOF: PM2, PVS1:Moderate

Labcorp Genetics (formerly Invitae), Labcorp
Classification: Pathogenic. Last evaluated: 2023-09-10. Review status: criteria provided, single submitter. Criteria: Invitae Variant Classification Sherloc (09022015). Collection method: clinical testing. Allele origin: germline.
Comment: For these reasons, this variant has been classified as Pathogenic. Algorithms developed to predict the effect of sequence changes on RNA splicing suggest that this variant may disrupt the consensus splice site. Disruption of this splice site has been observed in individual(s) with autosomal recessive deafness and/or auditory neuropathy (PMID: 16371502). In at least one individual the data is consistent with being in trans (on the opposite chromosome) from a pathogenic variant. This variant is present in population databases (rs541334347, gnomAD 0.007%). This sequence change affects an acceptor splice site in intron 27 of the OTOF gene. It is expected to disrupt RNA splicing. Variants that disrupt the donor or acceptor splice site typically lead to a loss of protein function (PMID: 16199547), and loss-of-function variants in OTOF are known to be pathogenic (PMID: 18381613, 19250381, 22575033).

Literature cited by the submitters: PubMed 16371502 (cited by Labcorp Genetics (formerly Invitae), Labcorp); PubMed 16199547 (cited by Labcorp Genetics (formerly Invitae), Labcorp); PubMed 18381613 (cited by Labcorp Genetics (formerly Invitae), Labcorp); PubMed 19250381 (cited by Labcorp Genetics (formerly Invitae), Labcorp); PubMed 22575033 (cited by Labcorp Genetics (formerly Invitae), Labcorp).

NM_194248.3(OTOF):c.3409-1G>C

Gene: OTOF (otoferlin; minus strand). Cytogenetic location: 2p23.3.
Variant type: single nucleotide variant.
Coding change: c.3409-1G>C on transcript NM_194248.3 (MANE Select); the canonical splice acceptor site of the intron before coding-DNA position 3409, G replaced by C.
Molecular consequence: splice acceptor variant.
Genome position (GRCh38, 1-based): chr2:26,473,568, C>G on the plus strand (G>C on the coding strand, the complement: OTOF is on the minus strand). VCF-style: chr2-26473568-C-G. GRCh37 (hg19) VCF-style: chr2-26696436-C-G.
Other names: c.3409-1G>C (NM_001287489.2); c.1168-1G>C (NM_194323.3, NM_004802.4); c.1339-1G>C (NM_194322.3).
Identifiers: ClinVar variation 2789038 (VCV002789038.11), dbSNP rs541334347, ClinGen allele CA44395827.